The following is an entry in ClinVar:

NM_001394062.1(MACF1):c.16832_16835del (p.Lys5611fs)

Gene: MACF1 (microtubule actin crosslinking factor 1; plus strand). Cytogenetic location: 1p34.3.
Variant type: Microsatellite.
Coding change: c.16832_16835del on transcript NM_001394062.1 (MANE Select); coding-DNA positions 16832 to 16835, 4 bases deleted (AGAA; older notation c.16832_16835delAGAA).
Protein change: p.Lys5611fs; shifts the reading frame from lysine 5611.
Molecular consequence: frameshift variant.
Genome position (GRCh38, 1-based): chr1:39,429,270-39,429,273, AGAA deleted; deleting any 4 consecutive bases within chr1:39,429,266-39,429,273 gives the same sequence; the c. name uses the placement nearest the transcript's 3' end. VCF-style (leftmost placement, unchanged base first): chr1-39429265-TAGAA-T. GRCh37 (hg19) VCF-style: chr1-39894937-TAGAA-T.
Other names: c.10646_10649del, p.Lys3549fs (NM_012090.5); short protein forms K3549fs, K5611fs.
Identifiers: ClinVar variation 1303642 (VCV001303642.2), dbSNP rs2148648417, ClinGen allele CA2574326133.

ClinVar aggregate classification (germline): Uncertain significance (1 of 4 stars; one submission).

Submission:

GeneDx
Classification: Uncertain significance. Last evaluated: 2020-10-27. Review status: criteria provided, single submitter. Criteria: GeneDx Variant Classification Process June 2021. Collection method: clinical testing. Allele origin: germline. Affected: yes.
Comment: Not observed in large population cohorts (Lek et al., 2016); Frameshift variant predicted to result in protein truncation or nonsense mediated decay in a gene for which loss-of-function is not a known mechanism of disease; Has not been previously published as pathogenic or benign to our knowledge